The following is an entry in ClinVar:

NM_005359.6(SMAD4):c.358G>C (p.Asp120His)

Gene: SMAD4 (SMAD family member 4; plus strand). Cytogenetic location: 18q21.2.
Variant type: single nucleotide variant.
Coding change: c.358G>C on transcript NM_005359.6 (MANE Select); coding-DNA position 358, G replaced by C.
Protein change: p.Asp120His; replaces aspartic acid 120 with histidine.
Molecular consequence: missense variant.
Genome position (GRCh38, 1-based): chr18:51,048,794, G>C. VCF-style: chr18-51048794-G-C. GRCh37 (hg19) VCF-style: chr18-48575164-G-C.
Other names: short protein forms D120H.
Identifiers: ClinVar variation 859590 (VCV000859590.9), dbSNP rs1909621069, ClinGen allele CA402458516.

ClinVar aggregate classification (germline): Uncertain significance (1 of 4 stars; one submission).

Conditions:
Juvenile polyposis syndrome (JPS). Identifiers: Orphanet 2929, MedGen C0345893, MONDO:0017380, OMIM 174900.

Submission:

Labcorp Genetics (formerly Invitae), Labcorp
Classification: Uncertain significance for Juvenile polyposis syndrome. Last evaluated: 2020-05-06. Review status: criteria provided, single submitter. Criteria: Invitae Variant Classification Sherloc (09022015). Collection method: clinical testing. Allele origin: germline.
Comment: This sequence change replaces aspartic acid with histidine at codon 120 of the SMAD4 protein (p.Asp120His). The aspartic acid residue is highly conserved and there is a moderate physicochemical difference between aspartic acid and histidine. This variant is not present in population databases (ExAC no frequency). In summary, the available evidence is currently insufficient to determine the role of this variant in disease. Therefore, it has been classified as a Variant of Uncertain Significance. Algorithms developed to predict the effect of missense changes on protein structure and function are either unavailable or do not agree on the potential impact of this missense change (SIFT: "Deleterious"; PolyPhen-2: "Probably Damaging"; Align-GVGD: "Class C0"). This variant has not been reported in the literature in individuals with SMAD4-related conditions.